The following is an entry in ClinVar:

NM_000059.4(BRCA2):c.5422A>G (p.Ile1808Val)

Gene: BRCA2 (BRCA2 DNA repair associated; plus strand). Cytogenetic location: 13q13.1.
Variant type: single nucleotide variant.
Coding change: c.5422A>G on transcript NM_000059.4 (MANE Select); coding-DNA position 5422, A replaced by G.
Protein change: p.Ile1808Val; replaces isoleucine 1808 with valine.
Molecular consequence: missense variant.
Genome position (GRCh38, 1-based): chr13:32,339,777, A>G. VCF-style: chr13-32339777-A-G. GRCh37 (hg19) VCF-style: chr13-32913914-A-G.
Other names: c.5422A>G, p.Ile1808Val (NM_001406719.1, NM_001406720.1); short protein forms I1808V.
Identifiers: ClinVar variation 1719471 (VCV001719471.10), dbSNP rs2137517397, ClinGen allele CA387785430.

ClinVar aggregate classification (germline): Conflicting classifications of pathogenicity. Review status: criteria provided, conflicting classifications (1 of 4 stars). 5 submissions from 5 submitters: Uncertain significance (4); Likely benign (1). Last evaluated 2025-06-25.

Conditions:
Hereditary cancer-predisposing syndrome. Also called: Hereditary neoplastic syndrome; Neoplastic Syndromes, Hereditary; Hereditary Cancer Syndrome; Tumor predisposition. Identifiers: Orphanet 140162, MedGen C0027672, MeSH D009386, MONDO:0015356.
Hereditary breast ovarian cancer syndrome. Also called: BRCA1- and BRCA2-Associated Hereditary Breast and Ovarian Cancer; Hereditary breast and ovarian cancer syndrome (HBOC); Hereditary breast and/or ovarian cancer syndrome; Hereditary breast and ovarian cancer syndrome; Hereditary breast and ovarian cancer; Breast and ovarian cancer. Identifiers: Orphanet 145, MedGen C0677776, MeSH D061325, MONDO:0003582. Disease mechanism: loss of function.

Allele frequency attached by ClinVar (database versions not stated): gnomAD exomes below 0.00001.
gnomAD v4.1: 1 of 1,613,936 alleles (0.000062%); highest among the groups gnomAD compares: South Asian, 0.0011%; no homozygotes.

Submissions (5):

Color Diagnostics, LLC DBA Color Health
Classification: Uncertain significance for Hereditary cancer-predisposing syndrome. Last evaluated: 2025-06-25. Review status: criteria provided, single submitter. Criteria: ACMG Guidelines, 2015. Collection method: clinical testing. Allele origin: germline.
Comment: This missense variant replaces isoleucine with valine at codon 1808 of the BRCA2 protein. Computational prediction suggests that this variant may not impact protein structure and function. To our knowledge, functional studies have not been reported for this variant. This variant has not been reported in individuals affected with BRCA2-related disorders in the literature. This variant has not been identified in the general population by the Genome Aggregation Database (gnomAD). The available evidence is insufficient to determine the role of this variant in disease conclusively. Therefore, this variant is classified as a Variant of Uncertain Significance.

Ambry Genetics
Classification: Uncertain significance for Hereditary cancer-predisposing syndrome. Last evaluated: 2024-02-26. Review status: criteria provided, single submitter. Criteria: Ambry Variant Classification Scheme 2023. Collection method: clinical testing. Allele origin: germline.
Comment: The p.I1808V variant (also known as c.5422A>G), located in coding exon 10 of the BRCA2 gene, results from an A to G substitution at nucleotide position 5422. The isoleucine at codon 1808 is replaced by valine, an amino acid with highly similar properties. This amino acid position is conserved. In addition, this alteration is predicted to be tolerated by in silico analysis. Based on the available evidence, the clinical significance of this alteration remains unclear.

Women's Health and Genetics/Laboratory Corporation of America, LabCorp
Classification: Uncertain significance. Last evaluated: 2023-08-04. Review status: criteria provided, single submitter. Criteria: LabCorp Variant Classification Summary - May 2015. Collection method: clinical testing. Allele origin: germline.

University of Washington Department of Laboratory Medicine, University of Washington
Classification: Likely benign for Hereditary cancer-predisposing syndrome. Last evaluated: 2023-03-23. Review status: criteria provided, single submitter. Criteria: Dines et al. (Genet Med. 2020). Collection method: curation. Allele origin: germline.
Comment: Missense variant in a coldspot region where missense variants are very unlikely to be pathogenic (PMID:31911673).

BRCA2 exon 11 coldspot. Reclassification based on statistical prior probability.

Labcorp Genetics (formerly Invitae), Labcorp
Classification: Uncertain significance for Hereditary breast ovarian cancer syndrome. Last evaluated: 2022-09-15. Review status: criteria provided, single submitter. Criteria: Invitae Variant Classification Sherloc (09022015). Collection method: clinical testing. Allele origin: germline.
Comment: Advanced modeling of protein sequence and biophysical properties (such as structural, functional, and spatial information, amino acid conservation, physicochemical variation, residue mobility, and thermodynamic stability) performed at Invitae indicates that this missense variant is not expected to disrupt BRCA2 protein function. In summary, the available evidence is currently insufficient to determine the role of this variant in disease. Therefore, it has been classified as a Variant of Uncertain Significance. This variant has not been reported in the literature in individuals affected with BRCA2-related conditions. This variant is not present in population databases (gnomAD no frequency). This sequence change replaces isoleucine, which is neutral and non-polar, with valine, which is neutral and non-polar, at codon 1808 of the BRCA2 protein (p.Ile1808Val).